The following is an entry in ClinVar:

NM_000748.3(CHRNB2):c.1373T>A (p.Ile458Asn)

Gene: CHRNB2 (cholinergic receptor nicotinic beta 2 subunit; plus strand). Cytogenetic location: 1q21.3.
Variant type: single nucleotide variant.
Coding change: c.1373T>A on transcript NM_000748.3 (MANE Select); coding-DNA position 1373, T replaced by A.
Protein change: p.Ile458Asn; replaces isoleucine 458 with asparagine.
Molecular consequence: missense variant.
Genome position (GRCh38, 1-based): chr1:154,575,796, T>A. VCF-style: chr1-154575796-T-A. GRCh37 (hg19) VCF-style: chr1-154548272-T-A.
Other names: short protein forms I458N.
Identifiers: ClinVar variation 4975640 (VCV004975640.1).

ClinVar aggregate classification (germline): Uncertain significance (1 of 4 stars; one submission).

Submission:

GeneDx
Classification: Uncertain significance. Last evaluated: 2026-01-29. Review status: criteria provided, single submitter. Criteria: GeneDx Variant Classification Process June 2021. Collection method: clinical testing. Allele origin: germline.
Comment: Not observed at significant frequency in large population cohorts (gnomAD); In silico analysis supports that this missense variant has a deleterious effect on protein structure/function; Has not been previously published as pathogenic or benign to our knowledge